The following is an entry in ClinVar:

ClinVar aggregate classification (germline): Likely benign. Review status: criteria provided, multiple submitters, no conflicts (2 of 4 stars). 3 submissions from 3 submitters: Likely benign (3). Last evaluated 2026-01-13.

Conditions:
EYS-related disorder. Also called: EYS-related condition.

Allele frequency attached by ClinVar (database versions not stated): TOPMed 0.00004; gnomAD exomes 0.00005 and 0.00009; gnomAD 0.00007 and 0.00008.
gnomAD v4.1: 132 of 1,551,320 alleles (0.0085%); highest among the groups gnomAD compares: Non-Finnish European, 0.011%; no homozygotes.

Submissions (3):

Labcorp Genetics (formerly Invitae), Labcorp
Classification: Likely benign. Last evaluated: 2026-01-13. Review status: criteria provided, single submitter. Criteria: Invitae Variant Classification Sherloc (09022015). Collection method: clinical testing. Allele origin: germline.

PreventionGenetics, part of Exact Sciences
Classification: Likely benign for EYS-related condition. Last evaluated: 2025-05-07. Review status: criteria provided, single submitter. Criteria: ACMG Guidelines, 2015. Collection method: clinical testing. Allele origin: germline.
Comment: This variant is classified as likely benign based on ACMG/AMP sequence variant interpretation guidelines (Richards et al. 2015 PMID: 25741868, with internal and published modifications).

Blueprint Genetics
Classification: Likely benign. Last evaluated: 2022-07-08. Review status: criteria provided, single submitter. Criteria: ACMG Guidelines, 2015. Collection method: clinical testing. Allele origin: germline.

NM_001142800.2(EYS):c.5376A>G (p.Ala1792=)

Gene: EYS (EGF-like photoreceptor maintenance factor; minus strand). Cytogenetic location: 6q12.
Variant type: single nucleotide variant.
Coding change: c.5376A>G on transcript NM_001142800.2 (MANE Select); coding-DNA position 5376, A replaced by G.
Protein change: p.Ala1792=; no amino-acid change (alanine 1792 retained).
Molecular consequence: synonymous variant.
Genome position (GRCh38, 1-based): chr6:64,590,491, T>C on the plus strand (A>G on the coding strand, the complement: EYS is on the minus strand). VCF-style: chr6-64590491-T-C. GRCh37 (hg19) VCF-style: chr6-65300384-T-C.
Other names: c.5376A>G, p.Ala1792= (NM_001292009.2).
Identifiers: ClinVar variation 794203 (VCV000794203.12), dbSNP rs1037016919, ClinGen allele CA140340879.